The following is an entry in ClinVar:

NM_006506.5(RASA2):c.929G>C (p.Arg310Pro)

Gene: RASA2 (RAS p21 protein activator 2; plus strand). Cytogenetic location: 3q23.
Variant type: single nucleotide variant.
Coding change: c.929G>C on transcript NM_006506.5 (MANE Select); coding-DNA position 929, G replaced by C.
Protein change: p.Arg310Pro; replaces arginine 310 with proline.
Molecular consequence: missense variant.
Genome position (GRCh38, 1-based): chr3:141,570,977, G>C. VCF-style: chr3-141570977-G-C. GRCh37 (hg19) VCF-style: chr3-141289819-G-C.
Other names: c.929G>C, p.Arg310Pro (NM_001303245.3, NM_001303246.3); short protein forms R310P.
Identifiers: ClinVar variation 3346738 (VCV003346738.1).
Genomic context (GRCh38, chr3:141,570,977, plus strand): 5'-TGCTACAGCCAAGAGACAATGGAAACAAGTCATCCAAAACTGATGACCTGGGGTCTCTTC[G>C]ATTAAATATATGTTATACAGAAGACTACGTGCTTCCTTCAGAGTACTATGGTCCTTTGAA-3'
Protein context (NP_006497.2, residues 300-320): SSKTDDLGSL[Arg310Pro]LNICYTEDYV

ClinVar aggregate classification (germline): Uncertain significance (0 of 4 stars; one submission).

Conditions:
RASA2-related disorder. Also called: RASA2-related condition.

Submission:

PreventionGenetics, part of Exact Sciences
Classification: Uncertain significance for RASA2-related condition. Last evaluated: 2024-06-14. Review status: no assertion criteria provided. Collection method: clinical testing. Allele origin: germline.
Comment: The RASA2 c.929G>C variant is predicted to result in the amino acid substitution p.Arg310Pro. To our knowledge, this variant has not been reported in the literature or in a large population database, indicating this variant is rare. At this time, the clinical significance of this variant is uncertain due to the absence of conclusive functional and genetic evidence.